The following is an entry in ClinVar:

ClinVar aggregate classification (germline): Uncertain significance. Review status: criteria provided, multiple submitters, no conflicts (2 of 4 stars). 5 submissions from 4 submitters: Uncertain significance (5). Last evaluated 2025-03-20.

Conditions:
RYR1-related disorder. Also called: RYR1-related condition; RYR1-related disorders. Identifiers: MedGen CN239331.
Inborn genetic diseases. Identifiers: MedGen C0950123, MeSH D030342.
Malignant hyperthermia, susceptibility to, 1 (MHS1). Also called: Anesthesia related hyperthermia; Malignant hyperpyrexia; Fulminating hyperpyrexia; Pharmacogenic myopathy; RYR1-Related Malignant Hyperthermia Susceptibility; Malignant hyperthermia suceptibility 1. Identifiers: Orphanet 423, MedGen C2930980, MONDO:0007783, OMIM 145600.
Congenital multicore myopathy with external ophthalmoplegia (CMYO1B). Also called: MULTICORE MYOPATHY; Minicore myopathy with external ophthalmoplegia; Congenital myopathy 1B, autosomal recessive; Minicore myopathy; MULTIMINICORE DISEASE WITH EXTERNAL OPHTHALMOPLEGIA. Identifiers: Orphanet 598, Orphanet 98905, MedGen C1850674, MONDO:0009712, OMIM 255320, HP:0003789.

Allele frequency attached by ClinVar (database versions not stated): ExAC 0.00001; gnomAD 0.00001; gnomAD exomes 0.00001; ESP Exome Variant Server 0.00008.
gnomAD v4.1: 6 of 1,614,184 alleles (0.00037%); highest among the groups gnomAD compares: Admixed American, 0.01%; no homozygotes.

Submissions (5):

Labcorp Genetics (formerly Invitae), Labcorp
Classification: Uncertain significance for RYR1-related disorder. Last evaluated: 2025-03-20. Review status: criteria provided, single submitter. Criteria: Invitae Variant Classification Sherloc (09022015). Collection method: clinical testing. Allele origin: germline.
Comment: This sequence change replaces glycine, which is neutral and non-polar, with arginine, which is basic and polar, at codon 4603 of the RYR1 protein (p.Gly4603Arg). This variant is present in population databases (rs373231458, gnomAD 0.003%). This variant has not been reported in the literature in individuals affected with RYR1-related conditions. ClinVar contains an entry for this variant (Variation ID: 329132). Invitae Evidence Modeling of protein sequence and biophysical properties (such as structural, functional, and spatial information, amino acid conservation, physicochemical variation, residue mobility, and thermodynamic stability) has been performed for this missense variant. However, the output from this modeling did not meet the statistical confidence thresholds required to predict the impact of this variant on RYR1 protein function. In summary, the available evidence is currently insufficient to determine the role of this variant in disease. Therefore, it has been classified as a Variant of Uncertain Significance.

Ambry Genetics
Classification: Uncertain significance for Inborn genetic diseases. Last evaluated: 2023-11-13. Review status: criteria provided, single submitter. Criteria: Ambry Variant Classification Scheme 2023. Collection method: clinical testing. Allele origin: germline.

All of Us Research Program, National Institutes of Health
Classification: Uncertain significance for Malignant hyperthermia, susceptibility to, 1. Last evaluated: 2023-08-15. Review status: criteria provided, single submitter. Criteria: ACMG Guidelines, 2015. Collection method: clinical testing. Allele origin: germline. Inheritance: Autosomal dominant inheritance. Observed: 2 variant alleles, 2 heterozygotes.
Comment: This missense variant replaces glycine with arginine at codon 4603 of the RYR1 protein. Computational prediction is inconclusive regarding the impact of this variant on protein structure and function (internally defined REVEL score threshold 0.5 < inconclusive < 0.7, PMID: 27666373). To our knowledge, functional studies have not been reported for this variant. This variant has not been reported in individuals affected with RYR1-related disorders in the literature. This variant has been identified in 2/251430 chromosomes in the general population by the Genome Aggregation Database (gnomAD). The available evidence is insufficient to determine the role of this variant in disease conclusively. Therefore, this variant is classified as a Variant of Uncertain Significance.

This study involves interpretation of variants in research participants for the purpose of population health screening. Participant phenotype was not available at the time of variant classification. Additional details can be found in publication PMID: 35346344, PMCID: PMC8962531

Illumina Laboratory Services, Illumina
Classification: Uncertain significance for Malignant hyperthermia, susceptibility to, 1. Last evaluated: 2018-01-13. Review status: criteria provided, single submitter. Criteria: ICSL Variant Classification Criteria 13 December 2019. Collection method: clinical testing. Allele origin: germline.

Illumina Laboratory Services, Illumina
Classification: Uncertain significance for Congenital multicore myopathy with external ophthalmoplegia. Last evaluated: 2018-01-13. Review status: criteria provided, single submitter. Criteria: ICSL Variant Classification Criteria 13 December 2019. Collection method: clinical testing. Allele origin: germline.

NM_000540.3(RYR1):c.13807G>C (p.Gly4603Arg)

Gene: RYR1 (ryanodine receptor 1; plus strand). Cytogenetic location: 19q13.2.
Variant type: single nucleotide variant.
Coding change: c.13807G>C on transcript NM_000540.3 (MANE Select); coding-DNA position 13807, G replaced by C.
Protein change: p.Gly4603Arg; replaces glycine 4603 with arginine.
Molecular consequence: missense variant.
Genome position (GRCh38, 1-based): chr19:38,572,079, G>C. VCF-style: chr19-38572079-G-C. GRCh37 (hg19) VCF-style: chr19-39062719-G-C.
Other names: c.13792G>C, p.Gly4598Arg (NM_001042723.2); short protein forms G4603R, G4598R.
Identifiers: ClinVar variation 329132 (VCV000329132.16), dbSNP rs373231458, ClinGen allele CA060536.
Genomic context (GRCh38, chr19:38,572,079, plus strand): 5'-GTCTCAGACTCTCCACCAGGGGAGGACGACATGGAAGGCTCAGCTGCTGGGGATGTGTCA[G>C]GTGCAGGCTCTGGTGGCAGCTCTGGCTGGGGCTTGGGGGCCGGAGAGGAGGCAGAGGGCG-3'
Protein context (NP_000531.2, residues 4593-4613): MEGSAAGDVS[Gly4603Arg]AGSGGSSGWG